The following is an entry in ClinVar:

NM_001378609.3(OTOGL):c.3427A>G (p.Ile1143Val)

Gene: OTOGL (otogelin like; plus strand). Cytogenetic location: 12q21.31.
Variant type: single nucleotide variant.
Coding change: c.3427A>G on transcript NM_001378609.3 (MANE Select); coding-DNA position 3427, A replaced by G.
Protein change: p.Ile1143Val; replaces isoleucine 1143 with valine.
Molecular consequence: missense variant.
Genome position (GRCh38, 1-based): chr12:80,310,704, A>G. VCF-style: chr12-80310704-A-G. GRCh37 (hg19) VCF-style: chr12-80704484-A-G.
Other names: c.3292A>G, p.Ile1098Val (NM_001368062.3); c.3427A>G, p.Ile1143Val (NM_001378610.3, NM_173591.7); short protein forms I1134V, I1098V, I1143V.
Identifiers: ClinVar variation 226942 (VCV000226942.61), dbSNP rs117462138, ClinGen allele CA6701051.

ClinVar aggregate classification (germline): Benign/Likely benign. Review status: criteria provided, multiple submitters, no conflicts (2 of 4 stars). 9 submissions from 9 submitters: Benign (2); Likely benign (6). 1 of the submissions does not count toward it. Last evaluated 2026-04-01.

Conditions:
Inborn genetic diseases. Identifiers: MedGen C0950123, MeSH D030342.
OTOGL-related disorder. Also called: OTOGL-related condition.

Allele frequency attached by ClinVar (database versions not stated): 1000 Genomes Project 0.00220; TOPMed 0.00230; 1000 Genomes Project 30x 0.00234; gnomAD 0.00235 and 0.00237; ExAC 0.00246; gnomAD exomes 0.00268 and 0.00375; ESP Exome Variant Server 0.00301.
gnomAD v4.1: 5,688 of 1,586,528 alleles (0.36%); highest among the groups gnomAD compares: Non-Finnish European, 0.43%; 13 homozygotes.

Submissions (9):

CeGaT Center for Human Genetics Tuebingen
Classification: Likely benign. Last evaluated: 2026-04-01. Review status: criteria provided, single submitter. Criteria: CeGaT Center For Human Genetics Tuebingen Variant Classification Criteria Version 2. Collection method: clinical testing. Allele origin: germline. Affected: yes. Observed: 3 variant alleles.
Comment: OTOGL: BP4, BS2

Labcorp Genetics (formerly Invitae), Labcorp
Classification: Benign. Last evaluated: 2026-02-01. Review status: criteria provided, single submitter. Criteria: Invitae Variant Classification Sherloc (09022015). Collection method: clinical testing. Allele origin: germline.

Blueprint Genetics
Classification: Likely benign. Last evaluated: 2024-11-25. Review status: criteria provided, single submitter. Criteria: ACMG Guidelines, 2015. Collection method: clinical testing. Allele origin: germline.

Ambry Genetics
Classification: Likely benign for Inborn genetic diseases. Last evaluated: 2021-09-27. Review status: criteria provided, single submitter. Criteria: Ambry Variant Classification Scheme 2023. Collection method: clinical testing. Allele origin: germline.

GeneDx
Classification: Likely benign. Last evaluated: 2021-09-17. Review status: criteria provided, single submitter. Criteria: GeneDx Variant Classification Process June 2021. Collection method: clinical testing. Allele origin: germline. Affected: yes.

Eurofins Ntd Llc (ga)
Classification: Likely benign. Last evaluated: 2017-02-22. Review status: criteria provided, single submitter. Criteria: EGL Classification Definitions 2015. Collection method: clinical testing. Allele origin: germline. Observed: 1 variant allele, 1 heterozygote.

Laboratory for Molecular Medicine, Mass General Brigham Personalized Medicine
Classification: Benign. Last evaluated: 2014-11-24. Review status: criteria provided, single submitter. Criteria: LMM Criteria. Collection method: clinical testing. Allele origin: germline. Observed: 8 variant alleles.
Comment: Ile1134Val in exon 29 of OTOGL: This variant is not expected to have clinical si gnificance because it has been identified in 0.4% (33/8204) of European American chromosomes from a broad population by the NHLBI Exome Sequencing Project (dbSNP rs117462138).

Breakthrough Genomics
Classification: Likely benign. Review status: criteria provided, single submitter. Criteria: ACMG Guidelines, 2015. Collection method: not provided. Allele origin: germline. Inheritance: Autosomal recessive inheritance. Affected: yes.

PreventionGenetics, part of Exact Sciences
Classification: Benign for OTOGL-related condition. Last evaluated: 2020-03-13. Review status: no assertion criteria provided. Collection method: clinical testing. Allele origin: germline. Not counted in ClinVar's aggregate classification.
Comment: This variant is classified as benign based on ACMG/AMP sequence variant interpretation guidelines (Richards et al. 2015 PMID: 25741868, with internal and published modifications).